The following is an entry in ClinVar:

ClinVar aggregate classification (germline): Uncertain significance (1 of 4 stars; one submission).

Submission:

Labcorp Genetics (formerly Invitae), Labcorp
Classification: Uncertain significance. Last evaluated: 2022-09-04. Review status: criteria provided, single submitter. Criteria: Invitae Variant Classification Sherloc (09022015). Collection method: clinical testing. Allele origin: germline.
Comment: This variant has not been reported in the literature in individuals affected with MYH3-related conditions. In summary, the available evidence is currently insufficient to determine the role of this variant in disease. Therefore, it has been classified as a Variant of Uncertain Significance. Experimental studies and prediction algorithms are not available or were not evaluated, and the functional significance of this variant is currently unknown. This variant is present in population databases (no rsID available, gnomAD 0.003%). This variant, c.4853_4855del, results in the deletion of 1 amino acid(s) of the MYH3 protein (p.Lys1618del), but otherwise preserves the integrity of the reading frame.

NM_002470.4(MYH3):c.4847AGA[2] (p.Lys1618del)

Gene: MYH3 (myosin heavy chain 3; minus strand). Cytogenetic location: 17p13.1.
Variant type: Microsatellite.
Coding change: c.4847AGA[2] on transcript NM_002470.4 (MANE Select); two copies in a row of the 3-base unit AGA starting at c.4847; the reference has three copies in a row; one copy, 3 bases deleted.
Protein change: p.Lys1618del; deletes lysine 1618.
Molecular consequence: inframe deletion.
Genome position (GRCh38, 1-based): chr17:10,632,577-10,632,579, TCT deleted on the plus strand (AGA on the coding strand, the reverse complement: MYH3 is on the minus strand); deleting any 3 consecutive bases within chr17:10,632,577-10,632,586 gives the same sequence; the position shown is the placement nearest the transcript's 3' end. VCF-style (leftmost placement, unchanged base first): chr17-10632576-ATCT-A. GRCh37 (hg19) VCF-style: chr17-10535893-ATCT-A.
Other names: short protein forms K1618del.
Identifiers: ClinVar variation 2083503 (VCV002083503.4), dbSNP rs1187485997, ClinGen allele CA625013337.